The following is an entry in ClinVar:

NM_017636.4(TRPM4):c.3550C>T (p.Arg1184Cys)

Gene: TRPM4 (transient receptor potential cation channel subfamily M member 4; plus strand). Cytogenetic location: 19q13.33.
Variant type: single nucleotide variant.
Coding change: c.3550C>T on transcript NM_017636.4 (MANE Select); coding-DNA position 3550, C replaced by T.
Protein change: p.Arg1184Cys; replaces arginine 1184 with cysteine.
Molecular consequence: missense variant.
Genome position (GRCh38, 1-based): chr19:49,211,179, C>T. VCF-style: chr19-49211179-C-T. GRCh37 (hg19) VCF-style: chr19-49714436-C-T.
Other names: c.3115C>T, p.Arg1039Cys (NM_001195227.2); c.3205C>T, p.Arg1069Cys (NM_001321281.2); c.1942C>T, p.Arg648Cys (NM_001321282.2); c.3028C>T, p.Arg1010Cys (NM_001321283.2); c.2488C>T, p.Arg830Cys (NM_001321285.2); c.3550C>T (NM_017636.3); short protein forms R1010C, R1069C, R1184C, R830C, R1039C, R648C.
Identifiers: ClinVar variation 1489645 (VCV001489645.10), dbSNP rs779436318, ClinGen allele CA406773617.

ClinVar aggregate classification (germline): Uncertain significance. Review status: criteria provided, multiple submitters, no conflicts (2 of 4 stars). 3 submissions from 3 submitters: Uncertain significance (3). Last evaluated 2025-08-17.

Conditions:
Progressive familial heart block type IB (PFHB1B). Identifiers: Orphanet 871, MedGen C1970298, MONDO:0011474, OMIM 604559.
Erythrokeratodermia variabilis et progressiva 6. Identifiers: MedGen C5193144, MONDO:0032801, OMIM 618531.
Cardiovascular phenotype. Identifiers: MedGen CN230736.

gnomAD v4.1: 7 of 1,605,158 alleles (0.00044%); highest among the groups gnomAD compares: East Asian, 0.0022%; 1 homozygote.

Submissions (3):

Labcorp Genetics (formerly Invitae), Labcorp
Classification: Uncertain significance for Progressive familial heart block type IB. Last evaluated: 2025-08-17. Review status: criteria provided, single submitter. Criteria: Invitae Variant Classification Sherloc (09022015). Collection method: clinical testing. Allele origin: germline.
Comment: This sequence change replaces arginine, which is basic and polar, with cysteine, which is neutral and slightly polar, at codon 1184 of the TRPM4 protein (p.Arg1184Cys). This variant is not present in population databases (gnomAD no frequency). This variant has not been reported in the literature in individuals affected with TRPM4-related conditions. ClinVar contains an entry for this variant (Variation ID: 1489645). An algorithm developed to predict the effect of missense changes on protein structure and function (PolyPhen-2) suggests that this variant is likely to be disruptive. In summary, the available evidence is currently insufficient to determine the role of this variant in disease. Therefore, it has been classified as a Variant of Uncertain Significance.

Ambry Genetics
Classification: Uncertain significance for Cardiovascular phenotype. Last evaluated: 2023-11-04. Review status: criteria provided, single submitter. Criteria: Ambry Variant Classification Scheme 2023. Collection method: clinical testing. Allele origin: germline.
Comment: The p.R1184C variant (also known as c.3550C>T), located in coding exon 24 of the TRPM4 gene, results from a C to T substitution at nucleotide position 3550. The arginine at codon 1184 is replaced by cysteine, an amino acid with highly dissimilar properties. This amino acid position is conserved. In addition, this alteration is predicted to be tolerated by in silico analysis. Since supporting evidence is limited at this time, the clinical significance of this alteration remains unclear.

Fulgent Genetics
Classification: Uncertain significance for Progressive familial heart block type IB; Erythrokeratodermia variabilis et progressiva 6. Last evaluated: 2021-07-27. Review status: criteria provided, single submitter. Criteria: ACMG Guidelines, 2015. Collection method: clinical testing. Allele origin: unknown.